The following is an entry in ClinVar:

NM_000222.3(KIT):c.2467T>A (p.Tyr823Asn)

Gene: KIT (KIT proto-oncogene, receptor tyrosine kinase; plus strand). Cytogenetic location: 4q12.
Variant type: single nucleotide variant.
Coding change: c.2467T>A on transcript NM_000222.3 (MANE Select); coding-DNA position 2467, T replaced by A.
Protein change: p.Tyr823Asn; replaces tyrosine 823 with asparagine.
Molecular consequence: missense variant.
Genome position (GRCh38, 1-based): chr4:54,733,175, T>A. VCF-style: chr4-54733175-T-A. GRCh37 (hg19) VCF-style: chr4-55599341-T-A.
Other names: c.2455T>A, p.Tyr819Asn (NM_001093772.2, NM_001385292.1); c.2470T>A, p.Tyr824Asn (NM_001385284.1); c.2464T>A, p.Tyr822Asn (NM_001385285.1); c.2452T>A, p.Tyr818Asn (NM_001385286.1); c.2458T>A, p.Tyr820Asn (NM_001385288.1); c.2467T>A, p.Tyr823Asn (NM_001385290.1); short protein forms Y818N, Y819N, Y820N, Y822N, Y823N, Y824N.
Identifiers: ClinVar variation 4530490 (VCV004530490.1).

ClinVar aggregate classification (somatic clinical impact): Tier I - Strong (1 of 4 stars; one submission).

Conditions:
Germinoma. Also called: Germinoma (disease). Identifiers: MedGen C0206660, MONDO:0002598, HP:0100620.

Submission:

Institute for Genomic Medicine (IGM) Clinical Laboratory, Nationwide Children's Hospital
Classification: Tier I - Strong for Germinoma. Assertion type: diagnostic. Clinical significance: supports diagnosis. Last evaluated: 2024-03-12. Review status: criteria provided, single submitter. Criteria: AMP/ASCO/CAP Guidelines, 2017. Collection method: clinical testing. Allele origin: somatic. Affected: yes.
Comment: Variant has Tier I (strong) clinical significance as a diagnostic inclusion criterion in germinoma, based on the following evidence: 1) Documented in one or more cancer databases (e.g., St. Jude Pecan, COSMIC, CIViC, OncoKB). 2) Appears in one or more well-established professional guidelines (e.g., World Health Organization [WHO]; National Comprehensive Cancer Network [NCCN]) as providing diagnostic, prognostic, or therapeutic information. 3) Information in the literature supports potential biologic effect of variant (PMIDs: 25435369, 16741525, 23803604). 4) Diagnostic for a specific tumor type/classification based on well-powered studies with expert-level consensus (Evidence Level B; PMIDs: 24452629, 24896186, 27391150, 32999426, 32721511).

Literature cited by the submitters: PubMed 25435369; PubMed 16741525; PubMed 23803604; PubMed 24452629; PubMed 24896186; PubMed 27391150; PubMed 32999426; PubMed 32721511.